The following is an entry in ClinVar:

NM_006031.6(PCNT):c.4576G>T (p.Asp1526Tyr)

Gene: PCNT (pericentrin; plus strand). Cytogenetic location: 21q22.3.
Variant type: single nucleotide variant.
Coding change: c.4576G>T on transcript NM_006031.6 (MANE Select); coding-DNA position 4576, G replaced by T.
Protein change: p.Asp1526Tyr; replaces aspartic acid 1526 with tyrosine.
Molecular consequence: missense variant.
Genome position (GRCh38, 1-based): chr21:46,398,247, G>T. VCF-style: chr21-46398247-G-T. GRCh37 (hg19) VCF-style: chr21-47818161-G-T.
Other names: c.4222G>T, p.Asp1408Tyr (NM_001315529.2); short protein forms D1526Y, D1408Y.
Identifiers: ClinVar variation 4996837 (VCV004996837.1).

ClinVar aggregate classification (germline): Uncertain significance (1 of 4 stars; one submission).

Conditions:
PCNT-related disorder. Also called: PCNT-related condition.

Submission:

PreventionGenetics, part of Exact Sciences
Classification: Uncertain significance for PCNT-related condition. Last evaluated: 2025-02-05. Review status: criteria provided, single submitter. Criteria: ACMG Guidelines, 2015. Collection method: clinical testing. Allele origin: germline.
Comment: The PCNT c.4576G>T variant is predicted to result in the amino acid substitution p.Asp1526Tyr. To our knowledge, this variant has not been reported in the literature or in a large population database (gnomAD), indicating this variant is rare. At this time, the clinical significance of this variant is uncertain due to the absence of conclusive functional and genetic evidence.